The following is an entry in ClinVar:

NM_002528.7(NTHL1):c.368A>T (p.Gln123Leu)

Gene: NTHL1 (nth like DNA glycosylase 1; minus strand). Cytogenetic location: 16p13.3.
Variant type: single nucleotide variant.
Coding change: c.368A>T on transcript NM_002528.7 (MANE Select); coding-DNA position 368, A replaced by T.
Protein change: p.Gln123Leu; replaces glutamine 123 with leucine.
Molecular consequence: missense variant. On other transcripts: intron variant (1).
Genome position (GRCh38, 1-based): chr16:2,044,787, T>A on the plus strand (A>T on the coding strand, the complement: NTHL1 is on the minus strand). VCF-style: chr16-2044787-T-A. GRCh37 (hg19) VCF-style: chr16-2094788-T-A.
Other names: c.38A>T, p.Gln13Leu (NM_001318194.2); c.355-1061A>T (NM_001318193.2); short protein forms Q123L, Q13L.
Identifiers: ClinVar variation 1736250 (VCV001736250.2), dbSNP rs2084319849, ClinGen allele CA394294745.
Genomic context (GRCh38, chr16:2,044,787, plus strand): 5'-ATGGCGCCCGCCGTCACCTGGTCTTTGGTTTGGCTGGAGAGCATCAGTGACAGCAGCACC[T>A]GGTACCTGCGTACCTGCTTGTGCAGTGACAGGGACCGGGGTGGCGGCGGGTCCTGGGTGA-3'
Protein context (NP_002519.2, residues 113-133): SSAPPKVRRY[Gln123Leu]VLLSLMLSSQ

ClinVar aggregate classification (germline): Uncertain significance (1 of 4 stars; one submission).

Conditions:
Hereditary cancer-predisposing syndrome. Also called: Neoplastic Syndromes, Hereditary; Tumor predisposition; Hereditary Cancer Syndrome; Hereditary neoplastic syndrome. Identifiers: Orphanet 140162, MedGen C0027672, MeSH D009386, MONDO:0015356.

Submission:

Ambry Genetics
Classification: Uncertain significance for Hereditary cancer-predisposing syndrome. Last evaluated: 2021-12-11. Review status: criteria provided, single submitter. Criteria: Ambry Variant Classification Scheme 2023. Collection method: clinical testing. Allele origin: germline.
Comment: The p.Q131L variant (also known as c.392A>T), located in coding exon 3 of the NTHL1 gene, results from an A to T substitution at nucleotide position 392. The glutamine at codon 131 is replaced by leucine, an amino acid with dissimilar properties. This amino acid position is conserved. In addition, this alteration is predicted to be deleterious by in silico analysis. Since supporting evidence is limited at this time, the clinical significance of this alteration remains unclear.